The following is an entry in ClinVar:

ClinVar aggregate classification (germline): Likely benign. Review status: criteria provided, multiple submitters, no conflicts (2 of 4 stars). 5 submissions from 5 submitters: Likely benign (5). Last evaluated 2025-06-04.

Conditions:
X-linked severe congenital neutropenia (SCNX). Identifiers: Orphanet 86788, MedGen C1845987, MONDO:0010294, OMIM 300299.
Thrombocytopenia 1. Also called: THROMBOCYTOPENIA, X-LINKED, 1; X-linked thrombocytopenia with normal platelets; X-Linked Thrombocytopenia (XLT). Identifiers: Orphanet 268322, Orphanet 852, MedGen C1839163, MONDO:0010743, OMIM 313900.
Wiskott-Aldrich syndrome (WAS). Also called: WISKOTT-ALDRICH SYNDROME 1; ALDRICH SYNDROME; IMMUNODEFICIENCY 2; Wiskott-aldrich syndrome, somatic. Identifiers: Orphanet 906, MedGen C0043194, MONDO:0010518, OMIM 301000.

Allele frequency attached by ClinVar (database versions not stated): TOPMed 0.00001; gnomAD 0.00002; gnomAD exomes 0.00004; ExAC 0.00009.
gnomAD v4.1: 26 of 1,183,738 alleles (0.0022%); highest among the groups gnomAD compares: Middle Eastern, 0.092%; no homozygotes.

Submissions (5):

Labcorp Genetics (formerly Invitae), Labcorp
Classification: Likely benign for Wiskott-Aldrich syndrome; X-linked severe congenital neutropenia; Thrombocytopenia 1. Last evaluated: 2025-06-04. Review status: criteria provided, single submitter. Criteria: Invitae Variant Classification Sherloc (09022015). Collection method: clinical testing. Allele origin: germline.

Women's Health and Genetics/Laboratory Corporation of America, LabCorp
Classification: Likely benign. Last evaluated: 2025-05-05. Review status: criteria provided, single submitter. Criteria: LabCorp Variant Classification Summary - May 2015. Collection method: clinical testing. Allele origin: germline.

CeGaT Center for Human Genetics Tuebingen
Classification: Likely benign. Last evaluated: 2022-11-01. Review status: criteria provided, single submitter. Criteria: CeGaT Center For Human Genetics Tuebingen Variant Classification Criteria Version 2. Collection method: clinical testing. Allele origin: germline. Affected: yes. Observed: 1 variant allele.
Comment: WAS: BP4, BP7

Blueprint Genetics
Classification: Likely benign. Last evaluated: 2022-02-03. Review status: criteria provided, single submitter. Criteria: ACMG Guidelines, 2015. Collection method: clinical testing. Allele origin: germline.

Fulgent Genetics
Classification: Likely benign for X-linked severe congenital neutropenia; Wiskott-Aldrich syndrome; Thrombocytopenia 1. Last evaluated: 2021-11-17. Review status: criteria provided, single submitter. Criteria: ACMG Guidelines, 2015. Collection method: clinical testing. Allele origin: unknown.

NM_000377.3(WAS):c.420C>T (p.Leu140=)

Gene: WAS (WASP actin nucleation promoting factor; plus strand). Cytogenetic location: Xp11.23.
Variant type: single nucleotide variant.
Coding change: c.420C>T on transcript NM_000377.3 (MANE Select); coding-DNA position 420, C replaced by T.
Protein change: p.Leu140=; no amino-acid change (leucine 140 retained).
Molecular consequence: synonymous variant.
Genome position (GRCh38, 1-based): chrX:48,685,793, C>T. VCF-style: chrX-48685793-C-T. GRCh37 (hg19) VCF-style: chrX-48544182-C-T.
Identifiers: ClinVar variation 1088030 (VCV001088030.33), dbSNP rs782639067, ClinGen allele CA10403912.